The following is an entry in ClinVar:

NM_006623.4(PHGDH):c.1177G>A (p.Ala393Thr)

Gene: PHGDH (phosphoglycerate dehydrogenase; plus strand). Cytogenetic location: 1p12.
Variant type: single nucleotide variant.
Coding change: c.1177G>A on transcript NM_006623.4 (MANE Select); coding-DNA position 1177, G replaced by A.
Protein change: p.Ala393Thr; replaces alanine 393 with threonine.
Molecular consequence: missense variant.
Genome position (GRCh38, 1-based): chr1:119,741,865, G>A. VCF-style: chr1-119741865-G-A. GRCh37 (hg19) VCF-style: chr1-120284488-G-A.
Other names: short protein forms A393T.
Identifiers: ClinVar variation 2182129 (VCV002182129.4), dbSNP rs1327415742, ClinGen allele CA341853111.

ClinVar aggregate classification (germline): Uncertain significance. Review status: criteria provided, multiple submitters, no conflicts (2 of 4 stars). 2 submissions from 2 submitters: Uncertain significance (2). Last evaluated 2024-12-13.

Conditions:
PHGDH deficiency. Identifiers: Orphanet 79351, MedGen C1866174, MONDO:0011152, OMIM 601815.

Allele frequency attached by ClinVar (database versions not stated): gnomAD 0.00001.

Submissions (2):

Women's Health and Genetics/Laboratory Corporation of America, LabCorp
Classification: Uncertain significance. Last evaluated: 2024-12-13. Review status: criteria provided, single submitter. Criteria: LabCorp Variant Classification Summary - May 2015. Collection method: clinical testing. Allele origin: germline.
Comment: Variant summary: PHGDH c.1177G>A (p.Ala393Thr) results in a non-conservative amino acid change located in the D-3-phosphoglycerate dehydrogenase intervening domain of the encoded protein sequence. Five of five in-silico tools predict a damaging effect of the variant on protein function. The variant was absent in 251458 control chromosomes. The available data on variant occurrences in the general population are insufficient to allow any conclusion about variant significance. c.1177G>A has been reported in the literature in at-least one individual affected with Phosphoglycerate Dehydrogenase Deficiency (example: Tao_2021). These report(s) do not provide unequivocal conclusions about association of the variant with Phosphoglycerate Dehydrogenase Deficiency. To our knowledge, no experimental evidence demonstrating an impact on protein function has been reported. The following publication has been ascertained in the context of this evaluation (PMID: 33565074). ClinVar contains an entry for this variant (Variation ID: 2182129). Based on the evidence outlined above, the variant was classified as uncertain significance.

Labcorp Genetics (formerly Invitae), Labcorp
Classification: Uncertain significance for PHGDH deficiency. Last evaluated: 2023-12-06. Review status: criteria provided, single submitter. Criteria: Invitae Variant Classification Sherloc (09022015). Collection method: clinical testing. Allele origin: germline.
Comment: This sequence change replaces alanine, which is neutral and non-polar, with threonine, which is neutral and polar, at codon 393 of the PHGDH protein (p.Ala393Thr). This variant is present in population databases (no rsID available, gnomAD 0.01%). This missense change has been observed in individual(s) with phosphoglycerate dehydrogenase deficiency (PMID: 33565074). ClinVar contains an entry for this variant (Variation ID: 2182129). Advanced modeling of protein sequence and biophysical properties (such as structural, functional, and spatial information, amino acid conservation, physicochemical variation, residue mobility, and thermodynamic stability) has been performed at Invitae for this missense variant, however the output from this modeling did not meet the statistical confidence thresholds required to predict the impact of this variant on PHGDH protein function. In summary, the available evidence is currently insufficient to determine the role of this variant in disease. Therefore, it has been classified as a Variant of Uncertain Significance.

Literature cited by the submitters: PubMed 33565074 (cited by Women's Health and Genetics/Laboratory Corporation of America, LabCorp and Labcorp Genetics (formerly Invitae), Labcorp).